The following is an entry in ClinVar:

ClinVar aggregate classification (germline): Conflicting classifications of pathogenicity. Review status: criteria provided, conflicting classifications (1 of 4 stars). 2 submissions from 2 submitters: Likely pathogenic (1); Uncertain significance (1). Last evaluated 2025-09-02.

Submissions (2):

Labcorp Genetics (formerly Invitae), Labcorp
Classification: Likely pathogenic. Last evaluated: 2025-09-02. Review status: criteria provided, single submitter. Criteria: Invitae Variant Classification Sherloc (09022015). Collection method: clinical testing. Allele origin: germline.
Comment: This variant results in the deletion of part of exon 10 of the DEAF1 gene. It is expected to disrupt RNA splicing. Variants that disrupt the donor or acceptor splice site typically lead to a loss of protein function (PMID: 16199547), and loss-of-function variants in DEAF1 are known to be pathogenic (PMID: 30923367). This variant is not present in population databases (gnomAD no frequency). This variant has not been reported in the literature in individuals affected with DEAF1-related conditions. ClinVar contains an entry for this variant (Variation ID: 1993706). In summary, the currently available evidence indicates that the variant is pathogenic, but additional data are needed to prove that conclusively. Therefore, this variant has been classified as Likely Pathogenic.

GeneDx
Classification: Uncertain significance. Last evaluated: 2025-01-29. Review status: criteria provided, single submitter. Criteria: GeneDx Variant Classification Process June 2021. Collection method: clinical testing. Allele origin: germline. Affected: yes.
Comment: Not observed at significant frequency in large population cohorts (gnomAD); Has not been previously published as pathogenic or benign to our knowledge; In silico analysis is inconclusive as to whether the variant alters gene splicing. In the absence of RNA/functional studies, the actual effect of this sequence change is unknown.

Literature cited by the submitters: PubMed 16199547 (cited by Labcorp Genetics (formerly Invitae), Labcorp); PubMed 30923367 (cited by Labcorp Genetics (formerly Invitae), Labcorp).

NM_021008.4(DEAF1):c.1256-2_1258del

Genes: DEAF1 (DEAF1 transcription factor; minus strand), LOC126861109 (BRD4-independent group 4 enhancer GRCh37_chr11:673917-675116; plus strand). Cytogenetic location: 11p15.5.
Variant type: Deletion.
Coding change: c.1256-2_1258del on transcript NM_021008.4 (MANE Select); the canonical splice acceptor site of the intron before coding-DNA position 1256 through coding-DNA position 1258, 5 bases deleted (AGTGT; older notation c.1256-2_1258delAGTGT).
Molecular consequence: splice acceptor variant.
Genome position (GRCh38, 1-based): chr11:674,781-674,785, ACACT deleted on the plus strand (AGTGT on the coding strand, the reverse complement: DEAF1 is on the minus strand); deleting any 5 consecutive bases within chr11:674,781-674,786 gives the same sequence; the c. name uses the placement nearest the transcript's 3' end. VCF-style (leftmost placement, unchanged base first): chr11-674780-AACACT-A. GRCh37 (hg19) VCF-style: chr11-674780-AACACT-A.
Other names: c.530-2_532del (NM_001367390.1, NM_001440885.1, NM_001440887.1 and 1 more transcripts); c.989-2_991del (NM_001293634.2); c.1127-2_1129del (NM_001440884.1); c.1256-2_1258del (NM_001440883.1).
Identifiers: ClinVar variation 1993706 (VCV001993706.6), dbSNP rs1463816273, ClinGen allele CA679446173.